The following is an entry in ClinVar:

ClinVar aggregate classification (germline): Pathogenic (1 of 4 stars; one submission).

Conditions:
Methylmalonic aciduria, cblA type (MACA). Also called: Methylmalonic aciduria, vitamin b12-responsive, due to defect in synthesis of adenosylcobalamin, cbla complementation type; MMA cbl A type; Methylmalonic acidemia cblA type; Methylmalonic aciduria, vitamin B12-responsive; Vitamin B12-responsive methylmalonic acidemia type cblA. Identifiers: Orphanet 28, Orphanet 79310, MedGen C1855109, MONDO:0009613, OMIM 251100.

Submission:

Labcorp Genetics (formerly Invitae), Labcorp
Classification: Pathogenic for Methylmalonic aciduria, cblA type. Last evaluated: 2022-03-17. Review status: criteria provided, single submitter. Criteria: Invitae Variant Classification Sherloc (09022015). Collection method: clinical testing. Allele origin: germline.
Comment: For these reasons, this variant has been classified as Pathogenic. A similar copy number variant has been observed in individual(s) with MMACblA (Invitae). This variant is a gross deletion of the genomic region encompassing exon(s) 2-3 of the MMAA gene, which includes the initiator codon. This deletion extends beyond the assayed region for this gene and therefore may encompass additional genes. It is expected to result in an absent or disrupted protein product. Loss-of-function variants in MMAA are known to be pathogenic (PMID: 15523652, 15781192).

Literature cited by the submitters: PubMed 15523652; PubMed 15781192.

NC_000004.12:g.(?_145639120)_(145642505_?)del

Gene: MMAA (metabolism of cobalamin associated A; plus strand). Cytogenetic location: 4q31.21.
Variant type: Deletion.
Identifiers: ClinVar variation 830599 (VCV000830599.3).